The following is an entry in ClinVar:

NM_001134407.3(GRIN2A):c.617T>C (p.Leu206Pro)

Gene: GRIN2A (glutamate ionotropic receptor NMDA type subunit 2A; minus strand). Cytogenetic location: 16p13.2.
Variant type: single nucleotide variant.
Coding change: c.617T>C on transcript NM_001134407.3 (MANE Select); coding-DNA position 617, T replaced by C.
Protein change: p.Leu206Pro; replaces leucine 206 with proline.
Molecular consequence: missense variant.
Genome position (GRCh38, 1-based): chr16:9,938,349, A>G on the plus strand (T>C on the coding strand, the complement: GRIN2A is on the minus strand). VCF-style: chr16-9938349-A-G. GRCh37 (hg19) VCF-style: chr16-10032206-A-G.
Other names: c.617T>C, p.Leu206Pro (NM_000833.5, NM_001134408.2); short protein forms L206P.
Identifiers: ClinVar variation 1480064 (VCV001480064.9), dbSNP rs2141631923, ClinGen allele CA394798875.

ClinVar aggregate classification (germline): Conflicting classifications of pathogenicity. Review status: criteria provided, conflicting classifications (1 of 4 stars). 2 submissions from 2 submitters: Uncertain significance (1); Likely benign (1). Last evaluated 2024-11-01.

Conditions:
Landau-Kleffner syndrome (FESD). Also called: EPILEPSY, FOCAL, WITH SPEECH DISORDER AND WITH OR WITHOUT MENTAL RETARDATION; APHASIA, ACQUIRED, WITH EPILEPSY. Identifiers: Orphanet 1945, Orphanet 725, Orphanet 98818, MedGen C0282512, MONDO:0009509, OMIM 245570.

Submissions (2):

GeneDx
Classification: Uncertain significance. Last evaluated: 2024-11-01. Review status: criteria provided, single submitter. Criteria: GeneDx Variant Classification Process June 2021. Collection method: clinical testing. Allele origin: germline.
Comment: Not observed at significant frequency in large population cohorts (gnomAD); In silico analysis supports that this missense variant has a deleterious effect on protein structure/function; Has not been previously published as pathogenic or benign to our knowledge

Labcorp Genetics (formerly Invitae), Labcorp
Classification: Likely benign for Landau-Kleffner syndrome. Last evaluated: 2022-06-13. Review status: criteria provided, single submitter. Criteria: Invitae Variant Classification Sherloc (09022015). Collection method: clinical testing. Allele origin: germline.